The following is an entry in ClinVar:

ClinVar aggregate classification (germline): Benign (1 of 4 stars; one submission).

Allele frequency attached by ClinVar (database versions not stated): gnomAD 0.08608 and 0.09026; TOPMed 0.09539; 1000 Genomes Project 0.11342.
gnomAD v4.1: 20,546 of 764,888 alleles (2.7%); highest among the groups gnomAD compares: African/African-American, 28%; 2,426 homozygotes.

Submission:

GeneDx
Classification: Benign. Last evaluated: 2018-06-19. Review status: criteria provided, single submitter. Criteria: GeneDx Variant Classification (06012015). Collection method: clinical testing. Allele origin: germline. Affected: yes.
Comment: This variant is considered likely benign or benign based on one or more of the following criteria: it is a conservative change, it occurs at a poorly conserved position in the protein, it is predicted to be benign by multiple in silico algorithms, and/or has population frequency not consistent with disease.

NM_006073.4(TRDN):c.1370-83A>C

Gene: TRDN (triadin; minus strand). Cytogenetic location: 6q22.31.
Variant type: single nucleotide variant.
Coding change: c.1370-83A>C on transcript NM_006073.4 (MANE Select); 83 bases into the intron before coding-DNA position 1370, A replaced by C.
Molecular consequence: intron variant.
Genome position (GRCh38, 1-based): chr6:123,337,752, T>G on the plus strand (A>C on the coding strand, the complement: TRDN is on the minus strand). VCF-style: chr6-123337752-T-G. GRCh37 (hg19) VCF-style: chr6-123658897-T-G.
Identifiers: ClinVar variation 676384 (VCV000676384.1), dbSNP rs6569337, ClinGen allele CA147247782.